The following is an entry in ClinVar:

NM_003172.4(SURF1):c.1A>T (p.Met1Leu)

Gene: SURF1 (SURF1 cytochrome c oxidase assembly factor; minus strand). Cytogenetic location: 9q34.2.
Variant type: single nucleotide variant.
Coding change: c.1A>T on transcript NM_003172.4 (MANE Select); coding-DNA position 1, A replaced by T.
Protein change: p.Met1Leu; changes the start codon (methionine 1).
Molecular consequence: missense variant, initiator codon variant. On other transcripts: 5 prime UTR variant (1).
Genome position (GRCh38, 1-based): chr9:133,356,453, T>A on the plus strand (A>T on the coding strand, the complement: SURF1 is on the minus strand). VCF-style: chr9-133356453-T-A. GRCh37 (hg19) VCF-style: chr9-136223329-T-A.
Other names: c.-275A>T (NM_001280787.1); short protein forms M1L.
Identifiers: ClinVar variation 2905830 (VCV002905830.3), dbSNP rs1836592105, ClinGen allele CA375695225.

ClinVar aggregate classification (germline): Pathogenic (1 of 4 stars; one submission).

Conditions:
Leigh syndrome (NULS). Also called: LEIGH SYNDROME, NUCLEAR; Leigh's necrotizing encephalopathy; Leigh's disease; Leigh Syndrome (mtDNA deletion); Leigh's syndrome; Leigh Disease. Identifiers: Orphanet 506, MedGen C2931891, MONDO:0009723, OMIM 256000.

Submission:

Labcorp Genetics (formerly Invitae), Labcorp
Classification: Pathogenic for Leigh syndrome. Last evaluated: 2023-09-08. Review status: criteria provided, single submitter. Criteria: Invitae Variant Classification Sherloc (09022015). Collection method: clinical testing. Allele origin: germline.
Comment: This variant is not present in population databases (gnomAD no frequency). This sequence change affects the initiator methionine of the SURF1 mRNA. The next in-frame methionine is located at codon 110. This variant has not been reported in the literature in individuals affected with SURF1-related conditions. Algorithms developed to predict the effect of sequence changes on RNA splicing suggest that this variant may create or strengthen a splice site. This variant disrupts a region of the SURF1 protein in which other variant(s) (p.Leu90Pro) have been determined to be pathogenic (PMID: 19780766, 22488715, 29933018, 32445240). This suggests that this is a clinically significant region of the protein, and that variants that disrupt it are likely to be disease-causing. For these reasons, this variant has been classified as Pathogenic.

Literature cited by the submitters: PubMed 19780766; PubMed 22488715; PubMed 29933018; PubMed 32445240.